The following is an entry in ClinVar:

NM_001164508.2(NEB):c.4300-1G>C

Gene: NEB (nebulin; minus strand). Cytogenetic location: 2q23.3.
Variant type: single nucleotide variant.
Coding change: c.4300-1G>C on transcript NM_001164508.2 (MANE Select); the canonical splice acceptor site of the intron before coding-DNA position 4300, G replaced by C.
Molecular consequence: splice acceptor variant.
Genome position (GRCh38, 1-based): chr2:151,671,230, C>G on the plus strand (G>C on the coding strand, the complement: NEB is on the minus strand). VCF-style: chr2-151671230-C-G. GRCh37 (hg19) VCF-style: chr2-152527744-C-G.
Other names: c.4300-1G>C (NM_004543.5, NM_001164507.2, NM_001271208.2 and 1 more transcripts).
Identifiers: ClinVar variation 2677160 (VCV002677160.4), dbSNP rs1331062755, ClinGen allele CA348816146.

ClinVar aggregate classification (germline): Likely pathogenic. Review status: criteria provided, multiple submitters, no conflicts (2 of 4 stars). 2 submissions from 2 submitters: Likely pathogenic (2). Last evaluated 2023-05-19.

Conditions:
Nemaline myopathy 2 (NEM2). Also called: Nemaline myopathy 2, autosomal recessive. Identifiers: MedGen C1850569, MONDO:0009725, OMIM 256030.
Arthrogryposis multiplex congenita 6. Identifiers: MedGen C5543431, MONDO:0030281, OMIM 619334.

Submissions (2):

Labcorp Genetics (formerly Invitae), Labcorp
Classification: Likely pathogenic for Nemaline myopathy 2. Last evaluated: 2023-05-19. Review status: criteria provided, single submitter. Criteria: Invitae Variant Classification Sherloc (09022015). Collection method: clinical testing. Allele origin: germline.
Comment: This sequence change affects an acceptor splice site in intron 37 of the NEB gene. It is expected to disrupt RNA splicing. Variants that disrupt the donor or acceptor splice site typically lead to a loss of protein function (PMID: 16199547), and loss-of-function variants in NEB are known to be pathogenic (PMID: 25205138). This variant is not present in population databases (gnomAD no frequency). This variant has not been reported in the literature in individuals affected with NEB-related conditions. Algorithms developed to predict the effect of sequence changes on RNA splicing suggest that this variant may disrupt the consensus splice site. In summary, the currently available evidence indicates that the variant is pathogenic, but additional data are needed to prove that conclusively. Therefore, this variant has been classified as Likely Pathogenic.

Baylor Genetics
Classification: Likely pathogenic for Arthrogryposis multiplex congenita 6. Last evaluated: 2022-08-09. Review status: criteria provided, single submitter. Criteria: ACMG Guidelines, 2015. Collection method: clinical testing. Allele origin: unknown.

Literature cited by the submitters: PubMed 16199547 (cited by Labcorp Genetics (formerly Invitae), Labcorp); PubMed 25205138 (cited by Labcorp Genetics (formerly Invitae), Labcorp).